The following is an entry in ClinVar:

NM_000373.4(UMPS):c.495G>A (p.Ala165=)

Gene: UMPS (uridine monophosphate synthetase; plus strand). Cytogenetic location: 3q21.2.
Variant type: single nucleotide variant.
Coding change: c.495G>A on transcript NM_000373.4 (MANE Select); coding-DNA position 495, G replaced by A.
Protein change: p.Ala165=; no amino-acid change (alanine 165 retained).
Molecular consequence: synonymous variant. On other transcripts: non-coding transcript variant (2).
Genome position (GRCh38, 1-based): chr3:124,737,752, G>A. VCF-style: chr3-124737752-G-A. GRCh37 (hg19) VCF-style: chr3-124456599-G-A.
Identifiers: ClinVar variation 784598 (VCV000784598.16), dbSNP rs75971351, ClinGen allele CA2581667.

ClinVar aggregate classification (germline): Conflicting classifications of pathogenicity. Review status: criteria provided, conflicting classifications (1 of 4 stars). 3 submissions from 3 submitters: Uncertain significance (1); Benign (1). 1 of the submissions does not count toward it. Last evaluated 2025-05-05.

Conditions:
Oroticaciduria. Also called: Orotic aciduria. Identifiers: Orphanet 30, MedGen C0268128, HP:0003218.
Hereditary orotic aciduria, type 1. Also called: Orotic aciduria type 1; Oroticaciduria 1. Identifiers: MedGen C0268130.
UMPS-related disorder. Also called: UMPS-related condition.

Allele frequency attached by ClinVar (database versions not stated): gnomAD exomes 0.00043; ExAC 0.00051; gnomAD 0.00117 and 0.00119; ESP Exome Variant Server 0.00123; TOPMed 0.00131; 1000 Genomes Project 30x 0.00203; 1000 Genomes Project 0.00240.
gnomAD v4.1: 506 of 1,614,178 alleles (0.031%); highest among the groups gnomAD compares: East Asian, 0.37%; 1 homozygote.

Submissions (3):

Labcorp Genetics (formerly Invitae), Labcorp
Classification: Benign for Hereditary orotic aciduria, type 1. Last evaluated: 2025-05-05. Review status: criteria provided, single submitter. Criteria: Invitae Variant Classification Sherloc (09022015). Collection method: clinical testing. Allele origin: germline.

Illumina Laboratory Services, Illumina
Classification: Uncertain significance for Hereditary orotic aciduria. Last evaluated: 2018-01-13. Review status: criteria provided, single submitter. Criteria: ICSL Variant Classification Criteria 13 December 2019. Collection method: clinical testing. Allele origin: germline.

PreventionGenetics, part of Exact Sciences
Classification: Likely benign for UMPS-related condition. Last evaluated: 2019-08-17. Review status: no assertion criteria provided. Collection method: clinical testing. Allele origin: germline. Not counted in ClinVar's aggregate classification.
Comment: This variant is classified as likely benign based on ACMG/AMP sequence variant interpretation guidelines (Richards et al. 2015 PMID: 25741868, with internal and published modifications).